The following is an entry in ClinVar:

ClinVar aggregate classification (germline): Uncertain significance (1 of 4 stars; one submission).

gnomAD v4.1: 2 of 1,589,154 alleles (0.00013%); highest among the groups gnomAD compares: South Asian, 0.0011%; no homozygotes.

Submission:

GeneDx
Classification: Uncertain significance. Last evaluated: 2022-04-12. Review status: criteria provided, single submitter. Criteria: GeneDx Variant Classification Process June 2021. Collection method: clinical testing. Allele origin: germline. Affected: yes.
Comment: Not observed at significant frequency in large population cohorts (gnomAD); In silico analysis supports that this missense variant does not alter protein structure/function; Has not been previously published as pathogenic or benign to our knowledge

NM_031475.3(ESPN):c.612C>A (p.His204Gln)

Gene: ESPN (espin; plus strand). Cytogenetic location: 1p36.31.
Variant type: single nucleotide variant.
Coding change: c.612C>A on transcript NM_031475.3 (MANE Select); coding-DNA position 612, C replaced by A.
Protein change: p.His204Gln; replaces histidine 204 with glutamine.
Molecular consequence: missense variant.
Genome position (GRCh38, 1-based): chr1:6,440,377, C>A. VCF-style: chr1-6440377-C-A. GRCh37 (hg19) VCF-style: chr1-6500437-C-A.
Other names: c.612C>A, p.His204Gln (NM_001367473.1, NM_001367474.1); short protein forms H204Q.
Identifiers: ClinVar variation 1710589 (VCV001710589.2), dbSNP rs1274564987, ClinGen allele CA338089502.
Genomic context (GRCh38, chr1:6,440,377, plus strand): 5'-CCTGGAGGTGACCCAGTACCTGGTGCAGGAATGCGGCGCAGACCCGCACGCGCGCGCCCA[C>A]GACGGCATGACCCCGCTGCACGCCGCGGCGCAGATGGGCCACAGCCCAGTCATCGTGTGG-3'
Protein context (NP_113663.2, residues 194-214): ECGADPHARA[His204Gln]DGMTPLHAAA